The following is an entry in ClinVar:

NM_005633.4(SOS1):c.1963C>G (p.Pro655Ala)

Gene: SOS1 (SOS Ras/Rac guanine nucleotide exchange factor 1; minus strand). Cytogenetic location: 2p22.1.
Variant type: single nucleotide variant.
Coding change: c.1963C>G on transcript NM_005633.4 (MANE Select); coding-DNA position 1963, C replaced by G.
Protein change: p.Pro655Ala; replaces proline 655 with alanine.
Molecular consequence: missense variant.
Genome position (GRCh38, 1-based): chr2:39,013,967, G>C on the plus strand (C>G on the coding strand, the complement: SOS1 is on the minus strand). VCF-style: chr2-39013967-G-C. GRCh37 (hg19) VCF-style: chr2-39241108-G-C.
Other names: c.1942C>G, p.Pro648Ala (NM_001382394.1); c.1963C>G, p.Pro655Ala (NM_001382395.1); short protein forms P648A, P655A.
Identifiers: ClinVar variation 1492457 (VCV001492457.8), dbSNP rs2124518554, ClinGen allele CA346364968.

ClinVar aggregate classification (germline): Uncertain significance (1 of 4 stars; one submission).

Conditions:
RASopathy. Also called: Noonan spectrum disorder; rasopathies. Identifiers: Orphanet 536391, MedGen C5555857, MONDO:0021060.

Allele frequency attached by ClinVar (database versions not stated): gnomAD exomes below 0.00001.
gnomAD v4.1: 1 of 1,604,746 alleles (0.000062%); highest among the groups gnomAD compares: African/African-American, 0.0013%; no homozygotes.

Submission:

Labcorp Genetics (formerly Invitae), Labcorp
Classification: Uncertain significance for RASopathy. Last evaluated: 2021-05-19. Review status: criteria provided, single submitter. Criteria: Invitae Variant Classification Sherloc (09022015). Collection method: clinical testing. Allele origin: germline.
Comment: Advanced modeling of protein sequence and biophysical properties (such as structural, functional, and spatial information, amino acid conservation, physicochemical variation, residue mobility, and thermodynamic stability) performed at Invitae indicates that this missense variant is not expected to disrupt SOS1 protein function. In summary, the available evidence is currently insufficient to determine the role of this variant in disease. Therefore, it has been classified as a Variant of Uncertain Significance. This sequence change replaces proline with alanine at codon 655 of the SOS1 protein (p.Pro655Ala). The proline residue is moderately conserved and there is a small physicochemical difference between proline and alanine. This variant is not present in population databases (ExAC no frequency). This variant has not been reported in the literature in individuals with SOS1-related conditions.